The following is an entry in ClinVar:

NM_000135.4(FANCA):c.200C>A (p.Pro67Gln)

Gene: FANCA (FA complementation group A; minus strand). Cytogenetic location: 16q24.3.
Variant type: single nucleotide variant.
Coding change: c.200C>A on transcript NM_000135.4 (MANE Select); coding-DNA position 200, C replaced by A.
Protein change: p.Pro67Gln; replaces proline 67 with glutamine.
Molecular consequence: missense variant.
Genome position (GRCh38, 1-based): chr16:89,814,603, G>T on the plus strand (C>A on the coding strand, the complement: FANCA is on the minus strand). VCF-style: chr16-89814603-G-T. GRCh37 (hg19) VCF-style: chr16-89881011-G-T.
Other names: c.200C>A (LRG_495t1); c.200C>A, p.Pro67Gln (NM_001018112.3, NM_001286167.3, NM_001351830.2); short protein forms P67Q.
Identifiers: ClinVar variation 638958 (VCV000638958.16), dbSNP rs200698961, ClinGen allele CA8253117.

ClinVar aggregate classification (germline): Conflicting classifications of pathogenicity. Review status: criteria provided, conflicting classifications (1 of 4 stars). 7 submissions from 7 submitters: Uncertain significance (5); Benign (1). 1 of the submissions does not count toward it. Last evaluated 2025-10-27.

Conditions:
FANCA-related disorder. Also called: FANCA-related condition.
Fanconi anemia (FA). Also called: Fanconi's anemia. Identifiers: Orphanet 84, MedGen C0015625, MeSH D005199, MONDO:0019391.
Fanconi anemia complementation group A (FANCA). Also called: Fanconi anemia, group A; FANCA-Related Fanconi Anemia. Identifiers: Orphanet 84, MedGen C3469521, MONDO:0009215, OMIM 227650.

Allele frequency attached by ClinVar (database versions not stated): gnomAD exomes 0.00006 and 0.00030; ExAC 0.00009; TOPMed 0.00012; gnomAD 0.00013 and 0.00014; ESP Exome Variant Server 0.00015.
gnomAD v4.1: 437 of 1,612,504 alleles (0.027%); highest among the groups gnomAD compares: Non-Finnish European, 0.036%; 1 homozygote.

Submissions (7):

Labcorp Genetics (formerly Invitae), Labcorp
Classification: Benign for Fanconi anemia. Last evaluated: 2025-10-27. Review status: criteria provided, single submitter. Criteria: Invitae Variant Classification Sherloc (09022015). Collection method: clinical testing. Allele origin: germline.

PreventionGenetics, part of Exact Sciences
Classification: Uncertain significance for FANCA-related condition. Last evaluated: 2025-06-26. Review status: criteria provided, single submitter. Criteria: ACMG Guidelines, 2015. Collection method: clinical testing. Allele origin: germline.
Comment: The FANCA c.200C>A variant is predicted to result in the amino acid substitution p.Pro67Gln. This variant was reported in at least two individuals with pancreatic ductal adenocarcinoma (Case_12*40 in Table A2. Shindo et al. 2017. PubMed ID: 28767289; eAppendix 1, Hu et al. 2020. PubMed ID: 32659497). This variant was also found in a patient with T-acute lymphoblastic lymphoma; however, this patient also harbored two biallelic nonsense variants in FANCM gene (Ryland et al. 2020. PubMed ID: 31942822). This variant was also found in control individuals in a melanoma cohort sequencing study (S3 Table, Pritchard et al. 2018. PubMed ID: 29641532). This variant is reported in 0.016% of alleles in individuals of African descent in gnomAD and has conflicting interpretations of pathogenicity in ClinVar ranging from uncertain to benign (Variation ID: 638958). At this time, the clinical significance of this variant is uncertain due to the absence of conclusive functional and genetic evidence.

St. Jude Molecular Pathology, St. Jude Children's Research Hospital
Classification: Uncertain significance for Fanconi anemia complementation group A. Last evaluated: 2025-02-05. Review status: criteria provided, single submitter. Criteria: St. Jude Assertion Criteria 2020. Collection method: clinical testing. Allele origin: germline.
Comment: The FANCA c.200C>A (p.Pro67Gln) missense change has a maximum subpopulation frequency of 0.02% in gnomAD v2.1.1. The in silico tool REVEL predicts a benign effect on protein function, but to our knowledge this prediction has not been confirmed by functional studies. To our knowledge, this variant has not been reported in individuals with Fanconi anemia. In summary, the evidence currently available is insufficient to determine the clinical significance of this variant. It has therefore been classified as of uncertain significance.

Blueprint Genetics
Classification: Uncertain significance. Last evaluated: 2024-07-30. Review status: criteria provided, single submitter. Criteria: ACMG Guidelines, 2015. Collection method: clinical testing. Allele origin: germline.

GeneDx
Classification: Uncertain significance. Last evaluated: 2022-04-06. Review status: criteria provided, single submitter. Criteria: GeneDx Variant Classification Process June 2021. Collection method: clinical testing. Allele origin: germline. Affected: yes.
Comment: In silico analysis supports that this missense variant has a deleterious effect on protein structure/function; Observed in individuals with pancreatic cancer or pediatric lymphoma and in healthy individuals undergoing whole exome sequencing (Shindo 2017, Pritchard 2018, Hu 2020, Ryland 2020); This variant is associated with the following publications: (PMID: 28767289, 32659497, 31942822, 29641532)

Fulgent Genetics
Classification: Uncertain significance for Fanconi anemia complementation group A. Last evaluated: 2022-03-31. Review status: criteria provided, single submitter. Criteria: ACMG Guidelines, 2015. Collection method: clinical testing. Allele origin: unknown.

Natera, Inc.
Classification: Uncertain significance for Fanconi anemia, group A. Last evaluated: 2020-09-16. Review status: no assertion criteria provided. Collection method: clinical testing. Allele origin: germline. Not counted in ClinVar's aggregate classification.